The following is an entry in ClinVar:

ClinVar aggregate classification (germline): Uncertain significance. Review status: criteria provided, multiple submitters, no conflicts (2 of 4 stars). 3 submissions from 3 submitters: Uncertain significance (3). Last evaluated 2023-04-10.

Conditions:
Charcot-Marie-Tooth disease axonal type 2P. Also called: Charcot-Marie-Tooth Neuropathy Type 2G; CHARCOT-MARIE-TOOTH NEUROPATHY, TYPE 2P; CHARCOT-MARIE-TOOTH DISEASE, AXONAL, TYPE 2G; CMT 2G. Identifiers: Orphanet 300319, Orphanet 99941, MedGen C3280797, MONDO:0013753, OMIM 614436.
Inborn genetic diseases. Identifiers: MedGen C0950123, MeSH D030342.
Charcot-Marie-Tooth disease. Also called: Charcot-Marie-Tooth Hereditary Neuropathy; Charcot-Marie-Tooth Neuropathy. Identifiers: Orphanet 166, MedGen C0007959, MONDO:0015626.

Allele frequency attached by ClinVar (database versions not stated): TOPMed below 0.00001.
gnomAD v4.1: 18 of 1,612,760 alleles (0.0011%); highest among the groups gnomAD compares: Non-Finnish European, 0.0012%; no homozygotes.

Submissions (3):

Labcorp Genetics (formerly Invitae), Labcorp
Classification: Uncertain significance for Charcot-Marie-Tooth disease axonal type 2P. Last evaluated: 2023-04-10. Review status: criteria provided, single submitter. Criteria: Invitae Variant Classification Sherloc (09022015). Collection method: clinical testing. Allele origin: germline.
Comment: In summary, the available evidence is currently insufficient to determine the role of this variant in disease. Therefore, it has been classified as a Variant of Uncertain Significance. Advanced modeling of protein sequence and biophysical properties (such as structural, functional, and spatial information, amino acid conservation, physicochemical variation, residue mobility, and thermodynamic stability) performed at Invitae indicates that this missense variant is not expected to disrupt LRSAM1 protein function. ClinVar contains an entry for this variant (Variation ID: 917121). This missense change has been observed in individual(s) with clinical features of Charcot-Marie-Tooth disease (PMID: 32376792). This variant is not present in population databases (gnomAD no frequency). This sequence change replaces histidine, which is basic and polar, with aspartic acid, which is acidic and polar, at codon 585 of the LRSAM1 protein (p.His585Asp).

Ambry Genetics
Classification: Uncertain significance for Inborn genetic diseases. Last evaluated: 2023-03-06. Review status: criteria provided, single submitter. Criteria: Ambry Variant Classification Scheme 2023. Collection method: clinical testing. Allele origin: germline.

Molecular Genetics Laboratory, London Health Sciences Centre
Classification: Uncertain significance for Charcot-Marie-Tooth disease. Review status: criteria provided, single submitter. Criteria: ACMG Guidelines, 2015. Collection method: clinical testing. Allele origin: germline. Affected: yes.

Literature cited by the submitters: PubMed 32376792 (cited by Labcorp Genetics (formerly Invitae), Labcorp and Ambry Genetics).

NM_001005373.4(LRSAM1):c.1753C>G (p.His585Asp)

Gene: LRSAM1 (leucine rich repeat and sterile alpha motif containing 1; plus strand). Cytogenetic location: 9q33.3.
Variant type: single nucleotide variant.
Coding change: c.1753C>G on transcript NM_001005373.4 (MANE Select); coding-DNA position 1753, C replaced by G.
Protein change: p.His585Asp; replaces histidine 585 with aspartic acid.
Molecular consequence: missense variant. On other transcripts: non-coding transcript variant (2).
Genome position (GRCh38, 1-based): chr9:127,496,018, C>G. VCF-style: chr9-127496018-C-G. GRCh37 (hg19) VCF-style: chr9-130258297-C-G.
Other names: c.1753C>G (NM_138361.4); c.1753C>G, p.His585Asp (NM_001005374.4, NM_001384142.1, NM_138361.5); c.1672C>G, p.His558Asp (NM_001190723.3); c.1654C>G, p.His552Asp (NM_001384143.1); c.964C>G, p.His322Asp (NM_001384144.1); short protein forms H558D, H585D, H322D, H552D.
Identifiers: ClinVar variation 917121 (VCV000917121.6), dbSNP rs1183629673, ClinGen allele CA374935746.